The following is an entry in ClinVar:

NM_000070.3(CAPN3):c.2458T>A (p.Tyr820Asn)

Gene: CAPN3 (calpain 3; plus strand). Cytogenetic location: 15q15.1.
Variant type: single nucleotide variant.
Coding change: c.2458T>A on transcript NM_000070.3 (MANE Select); coding-DNA position 2458, T replaced by A.
Protein change: p.Tyr820Asn; replaces tyrosine 820 with asparagine.
Molecular consequence: missense variant.
Genome position (GRCh38, 1-based): chr15:42,411,765, T>A. VCF-style: chr15-42411765-T-A. GRCh37 (hg19) VCF-style: chr15-42703963-T-A.
Other names: c.2440T>A, p.Tyr814Asn (NM_024344.2); c.2182T>A, p.Tyr728Asn (NM_173087.2); c.922T>A, p.Tyr308Asn (NM_173088.2); c.463T>A, p.Tyr155Asn (NM_173089.2, NM_173090.2); c.*1556T>A (NM_212464.2); c.*2133T>A (NM_212467.2); short protein forms Y155N, Y728N, Y814N, Y308N, Y820N.
Identifiers: ClinVar variation 2828659 (VCV002828659.3), dbSNP rs2548297291, ClinGen allele CA392002409.
Genomic context (GRCh38, chr15:42,411,765, plus strand): 5'-ACTCTTTTCTGATCTACATTCTGATCTTGGGACTTCTTTCAGTGGCTGCAGCTCACCATG[T>A]ATGCCTGAACCAGGCTGGCCTCATCCAAAGCCATGCAGGATCACTCAGGATTTCAGTTTC-3'
Protein context (NP_000061.1, residues 810-821): NVLEWLQLTM[Tyr820Asn]A

ClinVar aggregate classification (germline): Uncertain significance (1 of 4 stars; one submission).

Conditions:
Autosomal recessive limb-girdle muscular dystrophy type 2A (LGMDR1). Also called: LEYDEN-MOEBIUS MUSCULAR DYSTROPHY; MUSCULAR DYSTROPHY, PELVOFEMORAL; Limb-girdle muscular dystrophy, type 2A; Muscular dystrophy, limb-girdle, type 2A, Amish; Calpainopathy. Identifiers: Orphanet 267, MedGen C1869123, MONDO:0009675, OMIM 253600. Disease mechanism: loss of function.

Allele frequency attached by ClinVar (database versions not stated): gnomAD exomes below 0.00001.
gnomAD v4.1: 1 of 1,606,658 alleles (0.000062%); highest among the groups gnomAD compares: Non-Finnish European, 0.000085%; no homozygotes.

Submission:

Labcorp Genetics (formerly Invitae), Labcorp
Classification: Uncertain significance for Autosomal recessive limb-girdle muscular dystrophy type 2A. Last evaluated: 2024-02-12. Review status: criteria provided, single submitter. Criteria: Invitae Variant Classification Sherloc (09022015). Collection method: clinical testing. Allele origin: germline.
Comment: This sequence change replaces tyrosine, which is neutral and polar, with asparagine, which is neutral and polar, at codon 820 of the CAPN3 protein (p.Tyr820Asn). This variant is not present in population databases (gnomAD no frequency). This variant has not been reported in the literature in individuals affected with CAPN3-related conditions. Advanced modeling of protein sequence and biophysical properties (such as structural, functional, and spatial information, amino acid conservation, physicochemical variation, residue mobility, and thermodynamic stability) has been performed at Invitae for this missense variant, however the output from this modeling did not meet the statistical confidence thresholds required to predict the impact of this variant on CAPN3 protein function. In summary, the available evidence is currently insufficient to determine the role of this variant in disease. Therefore, it has been classified as a Variant of Uncertain Significance.